The following is an entry in ClinVar:

NM_000256.3(MYBPC3):c.1113_1116del (p.Ala372fs)

Gene: MYBPC3 (myosin binding protein C3; minus strand). Cytogenetic location: 11p11.2.
Variant type: Deletion.
Coding change: c.1113_1116del on transcript NM_000256.3 (MANE Select); coding-DNA positions 1113 to 1116, 4 bases deleted (GGCC; older notation c.1113_1116delGGCC).
Protein change: p.Ala372fs; shifts the reading frame from alanine 372.
Molecular consequence: frameshift variant.
Genome position (GRCh38, 1-based): chr11:47,343,599-47,343,602, GGCC deleted on the plus strand (GGCC on the coding strand, the reverse complement: MYBPC3 is on the minus strand); deleting any 4 consecutive bases within chr11:47,343,599-47,343,605 gives the same sequence; the c. name uses the placement nearest the transcript's 3' end. VCF-style (leftmost placement, unchanged base first): chr11-47343598-AGGCC-A. GRCh37 (hg19) VCF-style: chr11-47365149-AGGCC-A.
Other names: short protein forms A372fs.
Identifiers: ClinVar variation 2444081 (VCV002444081.5), dbSNP rs2495765762, ClinGen allele CA2580084290.

ClinVar aggregate classification (germline): Pathogenic (1 of 4 stars; one submission).

Conditions:
Hypertrophic cardiomyopathy 4. Also called: Familial hypertrophic cardiomyopathy 4. Identifiers: MedGen C1861862, MONDO:0007268, OMIM 115197.

Submission:

3billion
Classification: Pathogenic for Hypertrophic cardiomyopathy 4. Last evaluated: 2026-01-21. Review status: criteria provided, single submitter. Criteria: ACMG Guidelines, 2015. Collection method: clinical testing. Allele origin: germline. Affected: yes.
Comment: The variant is not observed in the gnomAD v4.1.0 dataset. Predicted Consequence/Location: Frameshift: predicted to result in a loss or disruption of normal protein function through nonsense-mediated decay (NMD) or protein truncation. Multiple pathogenic variants are reported downstream of the variant. The variant has been reported to be associated with MYBPC3-related disorder (ClinVar ID: VCV002444081 /3billion dataset). Therefore, this variant is classified as Pathogenic according to the recommendation of ACMG/AMP guideline.